The following is an entry in ClinVar:

NM_020937.4(FANCM):c.997C>T (p.Gln333Ter)

Gene: FANCM (FA complementation group M; plus strand). Cytogenetic location: 14q21.2.
Variant type: single nucleotide variant.
Coding change: c.997C>T on transcript NM_020937.4 (MANE Select); coding-DNA position 997, C replaced by T.
Protein change: p.Gln333Ter; replaces glutamine 333 with a stop codon.
Molecular consequence: nonsense.
Genome position (GRCh38, 1-based): chr14:45,151,475, C>T. VCF-style: chr14-45151475-C-T. GRCh37 (hg19) VCF-style: chr14-45620678-C-T.
Other names: c.919C>T, p.Gln307Ter (NM_001308133.2); c.997C>T, p.Gln333Ter (NM_001308134.2); short protein forms Q307*, Q333*.
Identifiers: ClinVar variation 4534556 (VCV004534556.6).
Genomic context (GRCh38, chr14:45,151,475, plus strand): 5'-CGTTCTTTGATTCAGAGGAATGTTTTGATGAGAAGGGATATCCCAAATCTAACAAAATAT[C>T]AGATAATTCTGGCAAGAGATCAGTTTAGGAAAAACCCATCTCCGAATATTGTGGTAGGTA-3'

ClinVar aggregate classification (germline): Pathogenic (1 of 4 stars; one submission).

gnomAD v4.1: 3 of 1,611,046 alleles (0.00019%); highest among the groups gnomAD compares: Admixed American, 0.0017%; no homozygotes.

Submission:

CeGaT Center for Human Genetics Tuebingen
Classification: Pathogenic. Last evaluated: 2025-10-01. Review status: criteria provided, single submitter. Criteria: CeGaT Center For Human Genetics Tuebingen Variant Classification Criteria Version 2. Collection method: clinical testing. Allele origin: germline. Affected: yes. Observed: 1 variant allele.
Comment: FANCM: PVS1, PM2